The following is an entry in ClinVar:

ClinVar aggregate classification (germline): Conflicting classifications of pathogenicity. Review status: criteria provided, conflicting classifications (1 of 4 stars). 2 submissions from 2 submitters: Likely pathogenic (1); Uncertain significance (1). Last evaluated 2024-09-20.

Conditions:
Skin creases, congenital symmetric circumferential, 2 (CSCSC2). Identifiers: MedGen C4225225, MONDO:0014755, OMIM 616734.

Allele frequency attached by ClinVar (database versions not stated): gnomAD exomes below 0.00001.
gnomAD v4.1: 2 of 1,613,010 alleles (0.00012%); highest among the groups gnomAD compares: Non-Finnish European, 0.00017%; no homozygotes.

Submissions (2):

Laboratorio de Genetica e Diagnostico Molecular, Hospital Israelita Albert Einstein
Classification: Uncertain significance for Skin creases, congenital symmetric circumferential, 2. Last evaluated: 2024-09-20. Review status: criteria provided, single submitter. Criteria: ACMG Guidelines, 2015. Collection method: clinical testing. Allele origin: germline. Affected: yes.
Comment: ACMG classification criteria: PM2 supporting

Lifecell International Pvt. Ltd
Classification: Likely pathogenic for Skin creases, congenital symmetric circumferential, 2. Review status: criteria provided, single submitter. Criteria: ACMG Guidelines, 2015. Collection method: clinical testing. Allele origin: germline. Inheritance: Autosomal dominant inheritance. Affected: yes. Observed: 1 heterozygote.
Comment: A Heterozygous Nonsense variant c.517C>T in Exon 4 of the MAPRE2 gene that results in the amino acid substitution p.Arg173* was identified. The observed variant is novel in gnomAD exomes and genomes, respectively. The severity of the impact of this variant on the protein is high, based on the effect of the protein and REVEL score . Rare Exome Variant Ensemble Learner (REVEL) is an ensembl method for predicting the pathogenicity of missense variants based on a combination of scores from 13 individual tools: MutPred, FATHMM v2.3, VEST 3.0, PolyPhen-2, SIFT, PROVEAN, MutationAssessor, MutationTaster, LRT, GERP++, SiPhy, phyloP, and phastCons. The REVEL score for an individual missense variant can range from 0 to 1, with higher scores reflecting greater likelihood that the variant is disease-causing. Based on the above evidence this variant has been classified as Likely Pathogenic according to the ACMG guidelines.

NM_014268.4(MAPRE2):c.517C>T (p.Arg173Ter)

Gene: MAPRE2 (microtubule associated protein RP/EB family member 2; plus strand). Cytogenetic location: 18q12.2.
Variant type: single nucleotide variant.
Coding change: c.517C>T on transcript NM_014268.4 (MANE Select); coding-DNA position 517, C replaced by T.
Protein change: p.Arg173Ter; replaces arginine 173 with a stop codon.
Molecular consequence: nonsense. On other transcripts: non-coding transcript variant (1).
Genome position (GRCh38, 1-based): chr18:35,102,066, C>T. VCF-style: chr18-35102066-C-T. GRCh37 (hg19) VCF-style: chr18-32682030-C-T.
Other names: c.388C>T, p.Arg130Ter (NM_001143826.3); c.481C>T, p.Arg161Ter (NM_001143827.3); c.358C>T, p.Arg120Ter (NM_001256420.2); short protein forms R120*, R130*, R161*, R173*.
Identifiers: ClinVar variation 2498212 (VCV002498212.3), dbSNP rs2523915648, ClinGen allele CA402276846.